The following is an entry in ClinVar:

ClinVar aggregate classification (germline): Conflicting classifications of pathogenicity. Review status: criteria provided, conflicting classifications (1 of 4 stars). 2 submissions from 2 submitters: Uncertain significance (1); Likely benign (1). Last evaluated 2024-02-01.

Conditions:
Inborn genetic diseases. Identifiers: MedGen C0950123, MeSH D030342.

Allele frequency attached by ClinVar (database versions not stated): gnomAD 0.00003; TOPMed 0.00003; ExAC 0.00005; gnomAD exomes 0.00010.
gnomAD v4.1: 134 of 1,549,688 alleles (0.0086%); highest among the groups gnomAD compares: South Asian, 0.013%; no homozygotes.

Submissions (2):

CeGaT Center for Human Genetics Tuebingen
Classification: Likely benign. Last evaluated: 2024-02-01. Review status: criteria provided, single submitter. Criteria: CeGaT Center For Human Genetics Tuebingen Variant Classification Criteria Version 2. Collection method: clinical testing. Allele origin: germline. Affected: yes. Observed: 1 variant allele.
Comment: PIEZO1: BP4

Ambry Genetics
Classification: Uncertain significance for Inborn genetic diseases. Last evaluated: 2022-06-06. Review status: criteria provided, single submitter. Criteria: Ambry Variant Classification Scheme 2023. Collection method: clinical testing. Allele origin: germline.

NM_001142864.4(PIEZO1):c.3137C>T (p.Ala1046Val)

Genes: HSALR1 (HSP90AB1 associated lncRNA 1; plus strand), PIEZO1 (piezo type mechanosensitive ion channel component 1 (Er blood group); minus strand). Cytogenetic location: 16q24.3.
Variant type: single nucleotide variant.
Coding change: c.3137C>T on transcript NM_001142864.4 (MANE Select); coding-DNA position 3137, C replaced by T.
Protein change: p.Ala1046Val; replaces alanine 1046 with valine.
Molecular consequence: missense variant.
Genome position (GRCh38, 1-based): chr16:88,731,765, G>A on the plus strand (C>T on the coding strand, the complement: PIEZO1 is on the minus strand). VCF-style: chr16-88731765-G-A. GRCh37 (hg19) VCF-style: chr16-88798173-G-A.
Other names: c.1679C>T, p.Ala560Val (NM_014745.1); short protein forms A1046V, A560V.
Identifiers: ClinVar variation 2294126 (VCV002294126.24), dbSNP rs770613391, ClinGen allele CA8232561.